The following is an entry in ClinVar:

NM_001040142.2(SCN2A):c.971-1G>A

Gene: SCN2A (sodium voltage-gated channel alpha subunit 2; plus strand). Cytogenetic location: 2q24.3.
Variant type: single nucleotide variant.
Coding change: c.971-1G>A on transcript NM_001040142.2 (MANE Select); the canonical splice acceptor site of the intron before coding-DNA position 971, G replaced by A.
Molecular consequence: splice acceptor variant.
Genome position (GRCh38, 1-based): chr2:165,312,024, G>A. VCF-style: chr2-165312024-G-A. GRCh37 (hg19) VCF-style: chr2-166168534-G-A.
Other names: c.971-1G>A (NM_001040143.2, NM_001371246.1, NM_001371247.1 and 1 more transcripts).
Identifiers: ClinVar variation 1320083 (VCV001320083.1), dbSNP rs2105251415, ClinGen allele CA349019589.

ClinVar aggregate classification (germline): Likely pathogenic (1 of 4 stars; one submission).

Conditions:
Developmental and epileptic encephalopathy, 11 (DEE11). Also called: Early infantile epileptic encephalopathy 11. Identifiers: Orphanet 1934, MedGen C3150987, MONDO:0013388, OMIM 613721.

Submission:

3billion
Classification: Likely pathogenic for Developmental and epileptic encephalopathy, 11. Last evaluated: 2021-10-02. Review status: criteria provided, single submitter. Criteria: ACMG Guidelines, 2015. Collection method: clinical testing. Allele origin: unknown. Affected: yes. Observed: 1 heterozygote.
Comment: Canonical splice site: predicted to alter splicing and result in a loss or disruption of normal protein function through nonsense-mediated decay (NMD) or protein truncation. Multiple pathogenic variants are reported downstream of the variant (PVS1_VS). It is not observed in the gnomAD v2.1.1 dataset (PM2). Therefore, this variant is classified as likley pathogenic according to the recommendation of ACMG/AMP guideline.